The following is an entry in ClinVar:

NM_007315.4(STAT1):c.378G>T (p.Gln126His)

Gene: STAT1 (signal transducer and activator of transcription 1; minus strand). Cytogenetic location: 2q32.2.
Variant type: single nucleotide variant.
Coding change: c.378G>T on transcript NM_007315.4 (MANE Select); coding-DNA position 378, G replaced by T.
Protein change: p.Gln126His; replaces glutamine 126 with histidine.
Molecular consequence: missense variant. On other transcripts: intron variant (1).
Genome position (GRCh38, 1-based): chr2:191,001,158, C>A on the plus strand (G>T on the coding strand, the complement: STAT1 is on the minus strand). VCF-style: chr2-191001158-C-A. GRCh37 (hg19) VCF-style: chr2-191865884-C-A.
Other names: c.378G>T, p.Gln126His (NM_001384880.1, NM_001384882.1, NM_001384883.1 and 6 more transcripts); c.384G>T, p.Gln128His (NM_001384881.1, NM_001384884.1); c.414G>T, p.Gln138His (NM_001384891.1); c.373-1454G>T (NM_001384890.1); short protein forms Q126H, Q128H, Q138H.
Identifiers: ClinVar variation 3755304 (VCV003755304.2).
Genomic context (GRCh38, chr2:191,001,158, plus strand): 5'-GACTTTACTGTCAAGCTCTTTCTGTTTGTCTAACATCACTGTGCTCTGAATATTCCCCGA[C>A]TGAGCCTGTAATGGGAAGGGCATGATTATAGCCATCGTTTTCTTCAGGGTGTGTACTTGC-3'
Protein context (NP_009330.1, residues 116-136): LENAQRFNQA[Gln126His]SGNIQSTVML

ClinVar aggregate classification (germline): Uncertain significance (1 of 4 stars; one submission).

Conditions:
Mendelian susceptibility to mycobacterial diseases due to partial STAT1 deficiency. Also called: IMMUNODEFICIENCY 31A, MYCOBACTERIOSIS, AUTOSOMAL DOMINANT; STAT1 DEFICIENCY, AUTOSOMAL DOMINANT; Immunodeficiency 31a. Identifiers: Orphanet 319595, MedGen C4013950, MONDO:0013956, OMIM 614892.
Immunodeficiency 31B. Also called: STAT1 DEFICIENCY, AUTOSOMAL RECESSIVE; IMMUNODEFICIENCY 31B, MYCOBACTERIAL AND VIRAL INFECTIONS, AUTOSOMAL RECESSIVE. Identifiers: Orphanet 391311, MedGen C3151088, MONDO:0013427, OMIM 613796.
Autoimmune enteropathy and endocrinopathy - susceptibility to chronic infections syndrome. Also called: Immunodeficiency 31C, autosomal dominant; Immunodeficiency 31C. Identifiers: Orphanet 391487, MedGen C3279990, MONDO:0013599, OMIM 614162.

gnomAD v4.1: 4 of 1,613,736 alleles (0.00025%); highest among the groups gnomAD compares: Non-Finnish European, 0.00025%; no homozygotes.

Submission:

Labcorp Genetics (formerly Invitae), Labcorp
Classification: Uncertain significance for Mendelian susceptibility to mycobacterial diseases due to partial STAT1 deficiency; Immunodeficiency 31B; Autoimmune enteropathy and endocrinopathy - susceptibility to chronic infections syndrome. Last evaluated: 2024-03-25. Review status: criteria provided, single submitter. Criteria: Invitae Variant Classification Sherloc (09022015). Collection method: clinical testing. Allele origin: germline.
Comment: This sequence change replaces glutamine, which is neutral and polar, with histidine, which is basic and polar, at codon 126 of the STAT1 protein (p.Gln126His). This variant is present in population databases (rs778997004, gnomAD 0.0009%). This variant has not been reported in the literature in individuals affected with STAT1-related conditions. Algorithms developed to predict the effect of missense changes on protein structure and function output the following: SIFT: "Not Available"; PolyPhen-2: "Benign"; Align-GVGD: "Not Available". The histidine amino acid residue is found in multiple mammalian species, which suggests that this missense change does not adversely affect protein function. In summary, the available evidence is currently insufficient to determine the role of this variant in disease. Therefore, it has been classified as a Variant of Uncertain Significance.